The following is an entry in ClinVar:

ClinVar aggregate classification (germline): Uncertain significance. Review status: criteria provided, single submitter (1 of 4 stars). 2 submissions from 2 submitters: Uncertain significance (1). 1 of the submissions does not count toward it. Last evaluated 2018-01-12.

Conditions:
GALT-related disorder. Also called: GALT-related condition.
Deficiency of UDPglucose-hexose-1-phosphate uridylyltransferase. Also called: Transferase Deficiency Galactosemia; GALT deficiency; Galactosemia, classic; GALACTOSEMIA I; GALACTOSE-1-PHOSPHATE URIDYLYLTRANSFERASE DEFICIENCY. Identifiers: Orphanet 352, Orphanet 79239, MedGen C0268151, MONDO:0009258, OMIM 230400.

Allele frequency attached by ClinVar (database versions not stated): gnomAD exomes 0.00051; gnomAD 0.00042 and 0.00041; TOPMed 0.00045; 1000 Genomes Project 30x 0.00078; 1000 Genomes Project 0.00100.

Submissions (2):

Illumina Laboratory Services, Illumina
Classification: Uncertain significance for Deficiency of UDPglucose-hexose-1-phosphate uridylyltransferase. Last evaluated: 2018-01-12. Review status: criteria provided, single submitter. Criteria: ICSL Variant Classification Criteria 13 December 2019. Collection method: clinical testing. Allele origin: germline.

PreventionGenetics, part of Exact Sciences
Classification: Likely benign for GALT-related condition. Last evaluated: 2019-12-19. Review status: no assertion criteria provided. Collection method: clinical testing. Allele origin: germline. Not counted in ClinVar's aggregate classification.
Comment: This variant is classified as likely benign based on ACMG/AMP sequence variant interpretation guidelines (Richards et al. 2015 PMID: 25741868, with internal and published modifications).

NM_000155.3(GALT):c.-88G>A

Gene: GALT (galactose-1-phosphate uridylyltransferase; plus strand). Cytogenetic location: 9p13.3.
Variant type: single nucleotide variant.
Coding change: c.-88G>A on transcript NM_000155.3; 88 bases upstream of the start codon, G replaced by A.
Genome position (GRCh38, 1-based): chr9:34,646,617, G>A. VCF-style: chr9-34646617-G-A. GRCh37 (hg19) VCF-style: chr9-34646614-G-A.
Identifiers: ClinVar variation 913654 (VCV000913654.8), dbSNP rs144505931, ClinGen allele CA192668892.
Genomic context (GRCh38, chr9:34,646,617, plus strand): 5'-CCCAGGTGGCAGGGCAGCCCAGTCAGTCAGTCACGTGCTGGCGGCTGGCCAATCATCGGG[G>A]GCGGCGCGGGGAGGGGTGGTGTGGACGGAGAAAGTGAAAGGTGAGGCACGGCCCTGCAGA-3'